The following is an entry in ClinVar:

ClinVar aggregate classification (germline): Uncertain significance (1 of 4 stars; one submission).

Submission:

CeGaT Center for Human Genetics Tuebingen
Classification: Uncertain significance. Last evaluated: 2025-02-01. Review status: criteria provided, single submitter. Criteria: CeGaT Center For Human Genetics Tuebingen Variant Classification Criteria Version 2. Collection method: clinical testing. Allele origin: germline. Affected: yes. Observed: 1 variant allele.
Comment: MYH11: PM2:Supporting, BP4

NM_002474.3(MYH11):c.4077G>A (p.Lys1359=)

Genes: MYH11 (myosin heavy chain 11; minus strand), NDE1 (nudE neurodevelopment protein 1; plus strand). Cytogenetic location: 16p13.11.
Variant type: single nucleotide variant.
Coding change: c.4077G>A on transcript NM_002474.3 (MANE Select); coding-DNA position 4077, G replaced by A.
Protein change: p.Lys1359=; no amino-acid change (lysine 1359 retained).
Molecular consequence: synonymous variant. On other transcripts: 3 prime UTR variant (2).
Genome position (GRCh38, 1-based): chr16:15,724,686, C>T on the plus strand (G>A on the coding strand, the complement: MYH11 is on the minus strand). VCF-style: chr16-15724686-C-T. GRCh37 (hg19) VCF-style: chr16-15818543-C-T.
Other names: c.4098G>A, p.Lys1366= (NM_001040113.2, NM_001040114.2); c.4077G>A, p.Lys1359= (NM_022844.3); c.*435C>T (NM_001143979.2, NM_017668.3).
Identifiers: ClinVar variation 3772572 (VCV003772572.13).